The following is an entry in ClinVar:

ClinVar aggregate classification (germline): Uncertain significance. Review status: criteria provided, multiple submitters, no conflicts (2 of 4 stars). 3 submissions from 3 submitters: Uncertain significance (3). Last evaluated 2025-08-23.

Conditions:
Hereditary nonpolyposis colorectal neoplasms. Identifiers: MedGen C0009405, MeSH D003123.
Hereditary cancer-predisposing syndrome. Also called: Tumor predisposition; Hereditary neoplastic syndrome; Neoplastic Syndromes, Hereditary; Hereditary Cancer Syndrome. Identifiers: Orphanet 140162, MedGen C0027672, MeSH D009386, MONDO:0015356.
Lynch syndrome. Identifiers: Orphanet 144, MedGen C4552100, MONDO:0005835. Disease mechanism: loss of function.

Submissions (3):

Ambry Genetics
Classification: Uncertain significance for Hereditary cancer-predisposing syndrome. Last evaluated: 2025-08-23. Review status: criteria provided, single submitter. Criteria: Ambry Variant Classification Scheme 2023. Collection method: clinical testing. Allele origin: germline.
Comment: The p.Q485H variant (also known as c.1455G>T), located in coding exon 4 of the MSH6 gene, results from a G to T substitution at nucleotide position 1455. The glutamine at codon 485 is replaced by histidine, an amino acid with highly similar properties. This amino acid position is conserved. In addition, this alteration is predicted to be deleterious by in silico analysis. Based on the available evidence, the clinical significance of this variant remains unclear.

All of Us Research Program, National Institutes of Health
Classification: Uncertain significance for Lynch syndrome. Last evaluated: 2023-06-26. Review status: criteria provided, single submitter. Criteria: ACMG Guidelines, 2015. Collection method: clinical testing. Allele origin: germline. Inheritance: Autosomal dominant inheritance. Observed: 1 variant allele, 1 heterozygote.
Comment: This missense variant replaces glutamine with histidine at codon 485 of the MSH6 protein. Computational prediction suggests that this variant may have deleterious impact on protein structure and function (internally defined REVEL score threshold >= 0.7, PMID: 27666373). To our knowledge, functional studies have not been reported for this variant. This variant has not been reported in individuals affected with MSH6-related disorders in the literature. This variant has not been identified in the general population by the Genome Aggregation Database (gnomAD). The available evidence is insufficient to determine the role of this variant in disease conclusively. Therefore, this variant is classified as a Variant of Uncertain Significance.

This study involves interpretation of variants in research participants for the purpose of population health screening. Participant phenotype was not available at the time of variant classification. Additional details can be found in publication PMID: 35346344, PMCID: PMC8962531

Labcorp Genetics (formerly Invitae), Labcorp
Classification: Uncertain significance for Hereditary nonpolyposis colorectal neoplasms. Last evaluated: 2019-09-08. Review status: criteria provided, single submitter. Criteria: Invitae Variant Classification Sherloc (09022015). Collection method: clinical testing. Allele origin: germline.
Comment: This variant is not present in population databases (ExAC no frequency). In summary, the available evidence is currently insufficient to determine the role of this variant in disease. Therefore, it has been classified as a Variant of Uncertain Significance. Algorithms developed to predict the effect of missense changes on protein structure and function are either unavailable or do not agree on the potential impact of this missense change (SIFT: "Deleterious"; PolyPhen-2: "Probably Damaging"; Align-GVGD: "Class C15"). This variant has not been reported in the literature in individuals with MSH6-related conditions. This sequence change replaces glutamine with histidine at codon 485 of the MSH6 protein (p.Gln485His). The glutamine residue is highly conserved and there is a small physicochemical difference between glutamine and histidine.

NM_000179.3(MSH6):c.1455G>T (p.Gln485His)

Gene: MSH6 (mutS homolog 6; plus strand). Cytogenetic location: 2p16.3.
Variant type: single nucleotide variant.
Coding change: c.1455G>T on transcript NM_000179.3 (MANE Select); coding-DNA position 1455, G replaced by T.
Protein change: p.Gln485His; replaces glutamine 485 with histidine.
Molecular consequence: missense variant.
Genome position (GRCh38, 1-based): chr2:47,799,438, G>T. VCF-style: chr2-47799438-G-T. GRCh37 (hg19) VCF-style: chr2-48026577-G-T.
Other names: c.1065G>T, p.Gln355His (NM_001281492.2); c.549G>T, p.Gln183His (NM_001281493.2, NM_001281494.2); short protein forms Q183H, Q355H, Q485H.
Identifiers: ClinVar variation 957277 (VCV000957277.12), dbSNP rs1669333625, ClinGen allele CA346745745.